The following is an entry in ClinVar:

ClinVar aggregate classification (germline): Likely benign (0 of 4 stars; one submission).

Conditions:
DNMT3A-related disorder. Also called: DNMT3A-related disorders; DNMT3A-related condition.

gnomAD v4.1: 1 of 1,613,956 alleles (0.000062%); highest among the groups gnomAD compares: Non-Finnish European, 0.000085%; no homozygotes.

Submission:

PreventionGenetics, part of Exact Sciences
Classification: Likely benign for DNMT3A-related condition. Last evaluated: 2022-12-22. Review status: no assertion criteria provided. Collection method: clinical testing. Allele origin: germline.
Comment: This variant is classified as likely benign based on ACMG/AMP sequence variant interpretation guidelines (Richards et al. 2015 PMID: 25741868, with internal and published modifications).

NM_022552.5(DNMT3A):c.1500C>T (p.Leu500=)

Gene: DNMT3A (DNA methyltransferase 3 alpha; minus strand). Cytogenetic location: 2p23.3.
Variant type: single nucleotide variant.
Coding change: c.1500C>T on transcript NM_022552.5 (MANE Select); coding-DNA position 1500, C replaced by T.
Protein change: p.Leu500=; no amino-acid change (leucine 500 retained).
Molecular consequence: synonymous variant. On other transcripts: non-coding transcript variant (1).
Genome position (GRCh38, 1-based): chr2:25,245,307, G>A on the plus strand (C>T on the coding strand, the complement: DNMT3A is on the minus strand). VCF-style: chr2-25245307-G-A. GRCh37 (hg19) VCF-style: chr2-25468176-G-A.
Other names: c.1044C>T, p.Leu348= (NM_001320893.1); c.831C>T, p.Leu277= (NM_001375819.1); c.933C>T, p.Leu311= (NM_153759.3); c.1500C>T, p.Leu500= (NM_175629.2).
Identifiers: ClinVar variation 3356010 (VCV003356010.1).